The following is an entry in ClinVar:

ClinVar aggregate classification (germline): Likely benign. Review status: criteria provided, multiple submitters, no conflicts (2 of 4 stars). 2 submissions from 2 submitters: Likely benign (2). Last evaluated 2025-08-19.

Conditions:
Focal segmental glomerulosclerosis 5 (FSGS5). Identifiers: Orphanet 656, MedGen C2750475, MONDO:0013191, OMIM 613237.
Charcot-Marie-Tooth disease dominant intermediate E. Also called: CHARCOT-MARIE-TOOTH NEUROPATHY WITH FOCAL SEGMENTAL GLOMERULONEPHRITIS. Identifiers: Orphanet 93114, MedGen C4302667, MONDO:0013758, OMIM 614455.
INF2-related disorder. Also called: INF2-related condition.

Allele frequency attached by ClinVar (database versions not stated): gnomAD 0.00001 and 0.00003.
gnomAD v4.1: 10 of 1,432,984 alleles (0.0007%); highest among the groups gnomAD compares: African/African-American, 0.014%; no homozygotes.

Submissions (2):

PreventionGenetics, part of Exact Sciences
Classification: Likely benign for INF2-related condition. Last evaluated: 2025-08-19. Review status: criteria provided, single submitter. Criteria: ACMG Guidelines, 2015. Collection method: clinical testing. Allele origin: germline.
Comment: This variant is classified as likely benign based on ACMG/AMP sequence variant interpretation guidelines (Richards et al. 2015 PMID: 25741868, with internal and published modifications).

Labcorp Genetics (formerly Invitae), Labcorp
Classification: Likely benign for Charcot-Marie-Tooth disease dominant intermediate E; Focal segmental glomerulosclerosis 5. Last evaluated: 2022-10-20. Review status: criteria provided, single submitter. Criteria: Invitae Variant Classification Sherloc (09022015). Collection method: clinical testing. Allele origin: germline.

NM_022489.4(INF2):c.1516C>T (p.Leu506=)

Gene: INF2 (inverted formin 2; plus strand). Cytogenetic location: 14q32.33.
Variant type: single nucleotide variant.
Coding change: c.1516C>T on transcript NM_022489.4 (MANE Select); coding-DNA position 1516, C replaced by T.
Protein change: p.Leu506=; no amino-acid change (leucine 506 retained).
Molecular consequence: synonymous variant.
Genome position (GRCh38, 1-based): chr14:104,707,783, C>T. VCF-style: chr14-104707783-C-T. GRCh37 (hg19) VCF-style: chr14-105174120-C-T.
Other names: c.1516C>T, p.Leu506= (NM_001031714.4); c.1516C>T (NM_022489.3).
Identifiers: ClinVar variation 1585339 (VCV001585339.9), dbSNP rs747182187, ClinGen allele CA7372583.